The following is an entry in ClinVar:

NM_001256071.3(RNF213):c.10879C>T (p.Arg3627Trp)

Genes: RNF213 (ring finger protein 213; plus strand), RNF213-AS1 (RNF213 antisense RNA 1; minus strand). Cytogenetic location: 17q25.3.
Variant type: single nucleotide variant.
Coding change: c.10879C>T on transcript NM_001256071.3 (MANE Select); coding-DNA position 10879, C replaced by T.
Protein change: p.Arg3627Trp; replaces arginine 3627 with tryptophan.
Molecular consequence: missense variant.
Genome position (GRCh38, 1-based): chr17:80,358,304, C>T. VCF-style: chr17-80358304-C-T. GRCh37 (hg19) VCF-style: chr17-78332104-C-T.
Other names: short protein forms R3627W.
Identifiers: ClinVar variation 1461568 (VCV001461568.8), dbSNP rs141234263, ClinGen allele CA8821624.
Genomic context (GRCh38, chr17:80,358,304, plus strand): 5'-GGTTCCTCTGACCCGTGGTGGCCCATCTCTCTTCTGTGCTGCAGGCACACCCTCTGGAAG[C>T]GGGTCCAAGGTGCTGTCACCCCTCTGCTGGCGAGCATGATATCATTCATCGACAGAGACG-3'
Protein context (NP_001243000.2, residues 3617-3637): AGTFRHTLWK[Arg3627Trp]VQGAVTPLLA

ClinVar aggregate classification (germline): Uncertain significance (1 of 4 stars; one submission).

Allele frequency attached by ClinVar (database versions not stated): gnomAD 0.00001; gnomAD exomes 0.00001 and 0.00003; TOPMed 0.00002; ExAC 0.00005; ESP Exome Variant Server 0.00008.
gnomAD v4.1: 21 of 1,613,886 alleles (0.0013%); highest among the groups gnomAD compares: Admixed American, 0.0033%; no homozygotes.

Submission:

Labcorp Genetics (formerly Invitae), Labcorp
Classification: Uncertain significance. Last evaluated: 2021-01-29. Review status: criteria provided, single submitter. Criteria: Invitae Variant Classification Sherloc (09022015). Collection method: clinical testing. Allele origin: germline.
Comment: In summary, the available evidence is currently insufficient to determine the role of this variant in disease. Therefore, it has been classified as a Variant of Uncertain Significance. Algorithms developed to predict the effect of sequence changes on RNA splicing suggest that this variant may create or strengthen a splice site, but this prediction has not been confirmed by published transcriptional studies. Algorithms developed to predict the effect of missense changes on protein structure and function (SIFT, PolyPhen-2, Align-GVGD) all suggest that this variant is likely to be disruptive, but these predictions have not been confirmed by published functional studies and their clinical significance is uncertain. This variant has not been reported in the literature in individuals with RNF213-related conditions. This variant is present in population databases (rs141234263, ExAC 0.02%). This sequence change replaces arginine with tryptophan at codon 3627 of the RNF213 protein (p.Arg3627Trp). The arginine residue is highly conserved and there is a moderate physicochemical difference between arginine and tryptophan.